The following is an entry in ClinVar:

ClinVar aggregate classification (germline): Uncertain significance (1 of 4 stars; one submission).

Submission:

Labcorp Genetics (formerly Invitae), Labcorp
Classification: Uncertain significance. Last evaluated: 2025-09-23. Review status: criteria provided, single submitter. Criteria: Invitae Variant Classification Sherloc (09022015). Collection method: clinical testing. Allele origin: germline.
Comment: This variant, c.3869_3892del, results in the deletion of 8 amino acid(s) of the BRD4 protein (p.Arg1290_Gln1297del), but otherwise preserves the integrity of the reading frame. The frequency data for this variant in the population databases is considered unreliable, as metrics indicate poor data quality at this position in the gnomAD database. This variant has not been reported in the literature in individuals affected with BRD4-related conditions. ClinVar contains an entry for this variant (Variation ID: 2197471). Experimental studies and prediction algorithms are not available or were not evaluated, and the functional significance of this variant is currently unknown. In summary, the available evidence is currently insufficient to determine the role of this variant in disease. Therefore, it has been classified as a Variant of Uncertain Significance.

NM_001379291.1(BRD4):c.3869_3892del (p.1282RQEQQQQQ[1])

Gene: BRD4 (bromodomain containing 4; minus strand). Cytogenetic location: 19p13.12.
Variant type: Deletion.
Coding change: c.3869_3892del on transcript NM_001379291.1 (MANE Select); coding-DNA positions 3869 to 3892, 24 bases deleted (GCCAGGAGCAACAGCAGCAGCAGC).
Protein change: p.1282RQEQQQQQ[1].
Molecular consequence: inframe deletion.
Genome position (GRCh38, 1-based): chr19:15,238,871-15,238,894, GCTGCTGCTGCTGTTGCTCCTGGC deleted on the plus strand (GCCAGGAGCAACAGCAGCAGCAGC on the coding strand, the reverse complement: BRD4 is on the minus strand); deleting any 24 consecutive bases within chr19:15,238,871-15,238,907 gives the same sequence; the c. name uses the placement nearest the transcript's 3' end. VCF-style (leftmost placement, unchanged base first): chr19-15238870-TGCTGCTGCTGCTGTTGCTCCTGGC-T. GRCh37 (hg19) VCF-style: chr19-15349681-TGCTGCTGCTGCTGTTGCTCCTGGC-T.
Other names: c.3869_3892del, p.1282RQEQQQQQ[1] (NM_058243.3).
Identifiers: ClinVar variation 2197471 (VCV002197471.4), dbSNP rs779654666, ClinGen allele CA9264498.
Genomic context (GRCh38, chr19:15,238,870, plus strand): 5'-TGGGGCTGGGAGCTCTGGGCCTGTGGGGTGGCGGCGGCAGCCACCGCAGCTGCTTGCTGT[TGCTGCTGCTGCTGTTGCTCCTGGC>T]GCTGCTGCTGCTGCTGCTCCTGGCGCCGACGTGCCTCCTCATGGGCCCGCCGGGCCTGCT-3'